The following is an entry in ClinVar:

NM_003193.5(TBCE):c.191C>T (p.Pro64Leu)

Gene: TBCE (tubulin folding cofactor E; plus strand). Cytogenetic location: 1q42.3.
Variant type: single nucleotide variant.
Coding change: c.191C>T on transcript NM_003193.5 (MANE Select); coding-DNA position 191, C replaced by T.
Protein change: p.Pro64Leu; replaces proline 64 with leucine.
Molecular consequence: missense variant. On other transcripts: 5 prime UTR variant (1).
Genome position (GRCh38, 1-based): chr1:235,414,438, C>T. VCF-style: chr1-235414438-C-T. GRCh37 (hg19) VCF-style: chr1-235577753-C-T.
Other names: c.191C>T, p.Pro64Leu (NM_001079515.3, NM_001287801.2); c.-205C>T (NM_001287802.2); c.191C>T (NM_001287801.1); short protein forms P64L.
Identifiers: ClinVar variation 593372 (VCV000593372.17), dbSNP rs147489278, ClinGen allele CA1463965.

ClinVar aggregate classification (germline): Likely benign. Review status: criteria provided, multiple submitters, no conflicts (2 of 4 stars). 4 submissions from 4 submitters: Likely benign (4). Last evaluated 2026-02-02.

Conditions:
TBCE-related disorder. Also called: TBCE-related disorders; TBCE-related condition.
Hypoparathyroidism-retardation-dysmorphism syndrome (HRDS). Also called: SANJAD-SAKATI SYNDROME. Identifiers: Orphanet 2323, MedGen C1855840, MONDO:0009426, OMIM 241410.

Allele frequency attached by ClinVar (database versions not stated): 1000 Genomes Project 30x 0.00078; 1000 Genomes Project 0.00080; gnomAD 0.00126 and 0.00135; TOPMed 0.00135; ESP Exome Variant Server 0.00138.
gnomAD v4.1: 381 of 1,613,084 alleles (0.024%); highest among the groups gnomAD compares: African/African-American, 0.41%; 3 homozygotes.

Submissions (4):

Labcorp Genetics (formerly Invitae), Labcorp
Classification: Likely benign. Last evaluated: 2026-02-02. Review status: criteria provided, single submitter. Criteria: Invitae Variant Classification Sherloc (09022015). Collection method: clinical testing. Allele origin: germline.

PreventionGenetics, part of Exact Sciences
Classification: Likely benign for TBCE-related condition. Last evaluated: 2025-04-22. Review status: criteria provided, single submitter. Criteria: ACMG Guidelines, 2015. Collection method: clinical testing. Allele origin: germline.
Comment: This variant is classified as likely benign based on ACMG/AMP sequence variant interpretation guidelines (Richards et al. 2015 PMID: 25741868, with internal and published modifications).

Illumina Laboratory Services, Illumina
Classification: Likely benign for Hypoparathyroidism-retardation-dysmorphism syndrome. Last evaluated: 2018-01-13. Review status: criteria provided, single submitter. Criteria: ICSL Variant Classification Criteria 13 December 2019. Collection method: clinical testing. Allele origin: germline.
Comment: This variant was observed in the ICSL laboratory as part of a predisposition screen in an ostensibly healthy population. It had not been previously curated by ICSL or reported in the Human Gene Mutation Database (HGMD: prior to June 1st, 2018), and was therefore a candidate for classification through an automated scoring system. Utilizing variant allele frequency, disease prevalence and penetrance estimates, and inheritance mode, an automated score was calculated to assess if this variant is too frequent to cause the disease. Based on the score and internal cut-off values, a variant classified as likely benign is not then subjected to further curation. The score for this variant resulted in a classification of likely benign for this disease.

Eurofins Ntd Llc (ga)
Classification: Likely benign. Last evaluated: 2017-07-28. Review status: criteria provided, single submitter. Criteria: EGL Classification Definitions 2015. Collection method: clinical testing. Allele origin: germline. Observed: 1 variant allele, 1 heterozygote.